The following is an entry in ClinVar:

ClinVar aggregate classification (germline): Likely pathogenic (1 of 4 stars; one submission).

Conditions:
Cardiovascular phenotype. Identifiers: MedGen CN230736.
Hereditary cancer-predisposing syndrome. Also called: Neoplastic Syndromes, Hereditary; Tumor predisposition; Hereditary neoplastic syndrome; Hereditary Cancer Syndrome. Identifiers: Orphanet 140162, MedGen C0027672, MeSH D009386, MONDO:0015356.

Submission:

Ambry Genetics
Classification: Likely pathogenic for Cardiovascular phenotype; Hereditary cancer-predisposing syndrome. Last evaluated: 2026-07-01. Review status: criteria provided, single submitter. Criteria: Ambry Variant Classification Scheme 2023. Collection method: clinical testing. Allele origin: germline.
Comment: The c.2851-21_2872del43 variant results from a deletion of 43 nucleotides between positions 2851-21 and 2872 and involves the canonical splice acceptor site before coding exon 22 of the NF1 gene. This variant is considered to be rare based on population cohorts in the Genome Aggregation Database (gnomAD). The canonical splice acceptor site is highly conserved in available vertebrate species. In silico splice site analysis predicts that this alteration will weaken the native splice acceptor site; however, the exact impact of this deletion on splicing and function is currently unknown. Variants that disrupt the canonical splice site are expected to cause aberrant splicing, resulting in an abnormal protein or a transcript that is subject to nonsense-mediated mRNA decay. As such, this variant is classified as likely pathogenic.

NM_001042492.3(NF1):c.2851-21_2872del

Gene: NF1 (neurofibromin 1; plus strand). Cytogenetic location: 17q11.2.
Variant type: Deletion.
Coding change: c.2851-21_2872del on transcript NM_001042492.3 (MANE Select); 21 bases into the intron before coding-DNA position 2851 through coding-DNA position 2872, 43 bases deleted.
Molecular consequence: splice acceptor variant.
Genome position (GRCh38, 1-based): chr17:31,229,814-31,229,856, 43 bases deleted; deleting any 43 consecutive bases within chr17:31,229,812-31,229,856 gives the same sequence; the c. name uses the placement nearest the transcript's 3' end. GRCh37 (hg19): chr17:29,556,832-29,556,874.
Other names: c.2851-21_2872del (NM_000267.4).
Identifiers: ClinVar variation 5025542 (VCV005025542.1).